The following is an entry in ClinVar:

ClinVar aggregate classification (germline): Uncertain significance (1 of 4 stars; one submission).

Conditions:
Cardiovascular phenotype. Identifiers: MedGen CN230736.

Allele frequency attached by ClinVar (database versions not stated): gnomAD exomes below 0.00001.
gnomAD v4.1: 2 of 1,211,109 alleles (0.00017%); highest among the groups gnomAD compares: Non-Finnish European, 0.00022%; no homozygotes.

Submission:

Ambry Genetics
Classification: Uncertain significance for Cardiovascular phenotype. Last evaluated: 2020-10-14. Review status: criteria provided, single submitter. Criteria: Ambry Variant Classification Scheme 2023. Collection method: clinical testing. Allele origin: germline.
Comment: The p.Q393H variant (also known as c.1179G>C), located in coding exon 11 of the DMD gene, results from a G to C substitution at nucleotide position 1179. The glutamine at codon 393 is replaced by histidine, an amino acid with highly similar properties. This amino acid position is highly conserved in available vertebrate species. In addition, the in silico prediction for this alteration is inconclusive. Since supporting evidence is limited at this time, the clinical significance of this alteration remains unclear.

NM_004006.3(DMD):c.1179G>C (p.Gln393His)

Gene: DMD (dystrophin; minus strand). Cytogenetic location: Xp21.1.
Variant type: single nucleotide variant.
Coding change: c.1179G>C on transcript NM_004006.3 (MANE Select); coding-DNA position 1179, G replaced by C.
Protein change: p.Gln393His; replaces glutamine 393 with histidine.
Molecular consequence: missense variant.
Genome position (GRCh38, 1-based): chrX:32,644,284, C>G on the plus strand (G>C on the coding strand, the complement: DMD is on the minus strand). VCF-style: chrX-32644284-C-G. GRCh37 (hg19) VCF-style: chrX-32662401-C-G.
Other names: c.1155G>C, p.Gln385His (NM_000109.4); c.1167G>C, p.Gln389His (NM_004009.3); c.810G>C, p.Gln270His (NM_004010.3); short protein forms Q385H, Q389H, Q393H, Q270H.
Identifiers: ClinVar variation 1741586 (VCV001741586.2), dbSNP rs2519636199, ClinGen allele CA412661364.